The following is an entry in ClinVar:

NM_001083111.2(GNRH1):c.60dup (p.Cys21fs)

Gene: GNRH1 (gonadotropin releasing hormone 1; minus strand). Cytogenetic location: 8p21.2.
Variant type: Duplication.
Coding change: c.60dup on transcript NM_001083111.2 (MANE Select); coding-DNA position 60, one base duplicated (C; older notation c.60dupC).
Protein change: p.Cys21fs; shifts the reading frame from cysteine 21.
Molecular consequence: frameshift variant.
Genome position (GRCh38, 1-based): chr8:25,423,271, G duplicated on the plus strand (C on the coding strand, the reverse complement: GNRH1 is on the minus strand). VCF-style (leftmost placement, unchanged base first): chr8-25423270-A-AG. GRCh37 (hg19) VCF-style: chr8-25280786-A-AG.
Other names: c.72dup, p.Cys25fs (NM_000825.3); short protein forms C21fs, C25fs.
Identifiers: ClinVar variation 1388091 (VCV001388091.6), dbSNP rs755156319, ClinGen allele CA4683671.
Genomic context (GRCh38, chr8:25,423,270, plus strand): 5'-AATTTTCGGCATCTCTCTTTCCTCCAGGGCGCAGTCCATAGGACCAGTGCTGGCTGGAGC[A>AG]GCCTTCCACGCACCAAGTCAGTAGAATAAGGCCAGCTAGGAGTTTTTGAATTGGCTTCAT-3'

ClinVar aggregate classification (germline): Pathogenic (1 of 4 stars; one submission).

Allele frequency attached by ClinVar (database versions not stated): gnomAD exomes below 0.00001 and 0.00002; ExAC 0.00001; TOPMed 0.00001; gnomAD 0.00002.

Submission:

Labcorp Genetics (formerly Invitae), Labcorp
Classification: Pathogenic. Last evaluated: 2025-01-27. Review status: criteria provided, single submitter. Criteria: Invitae Variant Classification Sherloc (09022015). Collection method: clinical testing. Allele origin: germline.
Comment: This sequence change creates a premature translational stop signal (p.Cys25Leufs*23) in the GNRH1 gene. It is expected to result in an absent or disrupted protein product. Loss-of-function variants in GNRH1 are known to be pathogenic (PMID: 19535795, 19567835). This variant is present in population databases (rs755156319, gnomAD 0.0009%). This variant has not been reported in the literature in individuals affected with GNRH1-related conditions. ClinVar contains an entry for this variant (Variation ID: 1388091). For these reasons, this variant has been classified as Pathogenic.

Literature cited by the submitters: PubMed 19535795; PubMed 19567835.